The following is an entry in ClinVar:

NM_000069.3(CACNA1S):c.3091G>A (p.Val1031Met)

Gene: CACNA1S (calcium voltage-gated channel subunit alpha1 S; minus strand). Cytogenetic location: 1q32.1.
Variant type: single nucleotide variant.
Coding change: c.3091G>A on transcript NM_000069.3 (MANE Select); coding-DNA position 3091, G replaced by A.
Protein change: p.Val1031Met; replaces valine 1031 with methionine.
Molecular consequence: missense variant.
Genome position (GRCh38, 1-based): chr1:201,061,431, C>T on the plus strand (G>A on the coding strand, the complement: CACNA1S is on the minus strand). VCF-style: chr1-201061431-C-T. GRCh37 (hg19) VCF-style: chr1-201030559-C-T.
Other names: short protein forms V1031M.
Identifiers: ClinVar variation 583409 (VCV000583409.13), dbSNP rs777328046, ClinGen allele CA1321811.

ClinVar aggregate classification (germline): Conflicting classifications of pathogenicity. Review status: criteria provided, conflicting classifications (1 of 4 stars). 3 submissions from 3 submitters: Uncertain significance (2); Likely benign (1). Last evaluated 2025-11-06.

Conditions:
Hypokalemic periodic paralysis, type 1. Also called: HypoPP; Hypokalemic Periodic Paralysis Type 1 (AD). Identifiers: Orphanet 681, MedGen C3714580, MONDO:0042979, OMIM 170400.
Malignant hyperthermia, susceptibility to, 5 (MHS5). Also called: CACNA1S-Related Malignant Hyperthermia Susceptibility. Identifiers: Orphanet 423, MedGen C1866077, MONDO:0011163, OMIM 601887.
Thyrotoxic periodic paralysis, susceptibility to, 1 (TTPP1). Identifiers: Orphanet 79102, MedGen C2749982, MONDO:0008570, OMIM 188580.

Allele frequency attached by ClinVar (database versions not stated): gnomAD 0.00003 and 0.00004; TOPMed 0.00003; ExAC 0.00008.
gnomAD v4.1: 115 of 1,614,088 alleles (0.0071%); highest among the groups gnomAD compares: Non-Finnish European, 0.0092%; no homozygotes.

Submissions (3):

Labcorp Genetics (formerly Invitae), Labcorp
Classification: Likely benign for Hypokalemic periodic paralysis, type 1; Malignant hyperthermia, susceptibility to, 5. Last evaluated: 2025-11-06. Review status: criteria provided, single submitter. Criteria: Invitae Variant Classification Sherloc (09022015). Collection method: clinical testing. Allele origin: germline.

Color Diagnostics, LLC DBA Color Health
Classification: Uncertain significance for Malignant hyperthermia, susceptibility to, 5. Last evaluated: 2024-04-25. Review status: criteria provided, single submitter. Criteria: ACMG Guidelines, 2015. Collection method: clinical testing. Allele origin: germline.
Comment: This missense variant replaces valine with methionine at codon 1031 of the CACNA1S protein. Computational prediction suggests that this variant may not impact protein structure and function. To our knowledge, functional studies have not been reported for this variant. This variant has been reported in an individual affected with malignant hyperthermia susceptibility (PMID: 25735680). This variant has been identified in 16/251346 chromosomes in the general population by the Genome Aggregation Database (gnomAD). The available evidence is insufficient to determine the role of this variant in disease conclusively. Therefore, this variant is classified as a Variant of Uncertain Significance.

Fulgent Genetics
Classification: Uncertain significance for Hypokalemic periodic paralysis, type 1; Thyrotoxic periodic paralysis, susceptibility to, 1; Malignant hyperthermia, susceptibility to, 5. Last evaluated: 2021-07-27. Review status: criteria provided, single submitter. Criteria: ACMG Guidelines, 2015. Collection method: clinical testing. Allele origin: unknown.

Literature cited by the submitters: PubMed 25735680 (cited by Color Diagnostics, LLC DBA Color Health).